The following is an entry in ClinVar:

NM_000264.5(PTCH1):c.1342_1345del (p.Leu448fs)

Gene: PTCH1 (patched 1; minus strand). Cytogenetic location: 9q22.32.
Variant type: Deletion.
Coding change: c.1342_1345del on transcript NM_000264.5 (MANE Select); coding-DNA positions 1342 to 1345, 4 bases deleted (CTCA; older notation c.1342_1345delCTCA).
Protein change: p.Leu448fs; shifts the reading frame from leucine 448.
Molecular consequence: frameshift variant. On other transcripts: non-coding transcript variant (1).
Genome position (GRCh38, 1-based): chr9:95,478,057-95,478,060, TGAG deleted on the plus strand (CTCA on the coding strand, the reverse complement: PTCH1 is on the minus strand); deleting any 4 consecutive bases within chr9:95,478,057-95,478,061 gives the same sequence; the c. name uses the placement nearest the transcript's 3' end. VCF-style (leftmost placement, unchanged base first): chr9-95478056-ATGAG-A. GRCh37 (hg19) VCF-style: chr9-98240338-ATGAG-A.
Other names: c.1144_1147del, p.Leu382fs (NM_001083602.3); c.1339_1342del, p.Leu447fs (NM_001083603.3); c.889_892del, p.Leu297fs (NM_001083604.3, NM_001083605.3, NM_001083606.3 and 1 more transcripts); c.1342_1345del, p.Leu448fs (NM_001354918.2); short protein forms L297fs, L382fs, L448fs, L447fs.
Identifiers: ClinVar variation 577642 (VCV000577642.9), dbSNP rs1564051237, ClinGen allele CA645567504.

ClinVar aggregate classification (germline): Pathogenic (1 of 4 stars; one submission).

Conditions:
Gorlin syndrome. Also called: Basal cell nevus syndrome; Nevoid Basal Cell Carcinoma Syndrome. Identifiers: Orphanet 377, MedGen C0004779, MONDO:0007187.

Submission:

Labcorp Genetics (formerly Invitae), Labcorp
Classification: Pathogenic for Gorlin syndrome. Last evaluated: 2024-10-13. Review status: criteria provided, single submitter. Criteria: Invitae Variant Classification Sherloc (09022015). Collection method: clinical testing. Allele origin: germline.
Comment: This sequence change creates a premature translational stop signal (p.Leu448Cysfs*7) in the PTCH1 gene. It is expected to result in an absent or disrupted protein product. Loss-of-function variants in PTCH1 are known to be pathogenic (PMID: 16301862, 16419085). This variant is not present in population databases (gnomAD no frequency). This premature translational stop signal has been observed in individual(s) with nevoid basal cell carcinoma syndrome-associated keratocystic odontogenic tumors and cleft lip/palate (PMID: 24204797). ClinVar contains an entry for this variant (Variation ID: 577642). For these reasons, this variant has been classified as Pathogenic.

Literature cited by the submitters: PubMed 16301862; PubMed 16419085; PubMed 24204797.